The following is an entry in ClinVar:

NM_001478.5(B4GALNT1):c.1272C>T (p.Val424=)

Gene: B4GALNT1 (beta-1,4-N-acetyl-galactosaminyltransferase 1; minus strand). Cytogenetic location: 12q13.3.
Variant type: single nucleotide variant.
Coding change: c.1272C>T on transcript NM_001478.5 (MANE Select); coding-DNA position 1272, C replaced by T.
Protein change: p.Val424=; no amino-acid change (valine 424 retained).
Molecular consequence: synonymous variant.
Genome position (GRCh38, 1-based): chr12:57,627,730, G>A on the plus strand (C>T on the coding strand, the complement: B4GALNT1 is on the minus strand). VCF-style: chr12-57627730-G-A. GRCh37 (hg19) VCF-style: chr12-58021513-G-A.
Other names: p.Val424=; c.1107C>T, p.Val369= (NM_001276468.2).
Identifiers: ClinVar variation 696112 (VCV000696112.12), dbSNP rs143066025, ClinGen allele CA6655477.

ClinVar aggregate classification (germline): Benign/Likely benign. Review status: criteria provided, multiple submitters, no conflicts (2 of 4 stars). 2 submissions from 2 submitters: Benign (1); Likely benign (1). Last evaluated 2026-01-05.

Conditions:
Spastic paraplegia. Identifiers: MedGen C0037772, HP:0001258.

Allele frequency attached by ClinVar (database versions not stated): 1000 Genomes Project 0.00140; ESP Exome Variant Server 0.00170; TOPMed 0.00178; 1000 Genomes Project 30x 0.00187.
gnomAD v4.1: 451 of 1,611,688 alleles (0.028%); highest among the groups gnomAD compares: African/African-American, 0.54%; 1 homozygote.

Submissions (2):

Labcorp Genetics (formerly Invitae), Labcorp
Classification: Benign for Spastic paraplegia. Last evaluated: 2026-01-05. Review status: criteria provided, single submitter. Criteria: Invitae Variant Classification Sherloc (09022015). Collection method: clinical testing. Allele origin: germline.

Mayo Clinic Laboratories, Mayo Clinic
Classification: Likely benign. Last evaluated: 2025-05-12. Review status: criteria provided, single submitter. Criteria: ACMG Guidelines, 2015. Collection method: clinical testing. Allele origin: germline. Observed: 1 variant allele.
Comment: BS1, BP4, BP7